The following is an entry in ClinVar:

ClinVar aggregate classification (germline): Conflicting classifications of pathogenicity. Review status: criteria provided, conflicting classifications (1 of 4 stars). 5 submissions from 5 submitters: Uncertain significance (3); Likely benign (1). 1 of the submissions does not count toward it. Last evaluated 2026-06-25.

Conditions:
Hypogonadotropic hypogonadism 19 with or without anosmia (HH19). Also called: HYPOGONADOTROPIC HYPOGONADISM 19 WITH ANOSMIA; HYPOGONADOTROPIC HYPOGONADISM 19 WITH ANOSMIA, SUSCEPTIBILITY TO; HYPOGONADOTROPIC HYPOGONADISM 19 WITHOUT ANOSMIA. Identifiers: Orphanet 478, MedGen C3808981, MONDO:0014105, OMIM 615269.

Allele frequency attached by ClinVar (database versions not stated): TOPMed 0.00070; ESP Exome Variant Server 0.00100; gnomAD 0.00162.

Submissions (5):

Women's Health and Genetics/Laboratory Corporation of America, LabCorp
Classification: Uncertain significance. Last evaluated: 2026-06-25. Review status: criteria provided, single submitter. Criteria: LabCorp Variant Classification Summary - May 2015. Collection method: clinical testing. Allele origin: germline.
Comment: Variant summary: DUSP6 c.545C>T (p.Ser182Phe) results in a non-conservative amino acid change in the encoded protein sequence. Algorithms developed to predict the effect of missense changes on protein structure and function are either unavailable or do not agree on the potential impact of this missense change. The variant allele was found at a frequency of 0.00061 in 251220 control chromosomes. This frequency is not significantly higher than estimated for disease-causing variants in DUSP6, allowing no conclusion about variant significance. c.545C>T has been observed with a missense variant in the FGFR1 gene in one individual affected with congenital hypogonadotropic hypogonadism (Miraoui_2013) and in 5 of 6 individuals in one family affected with class III malocclusion without strong evidence for causality (Nikopensius_2013). These reports do not provide unequivocal conclusions about association of the variant with DUSP6-related disease. To our knowledge, no experimental evidence demonstrating an impact on protein function has been reported. The following publications have been ascertained in the context of this evaluation (PMID: 23643382, 23965468). ClinVar contains an entry for this variant (Variation ID: 50855). Based on the evidence outlined above, the variant was classified as uncertain significance.

Labcorp Genetics (formerly Invitae), Labcorp
Classification: Uncertain significance. Last evaluated: 2025-12-15. Review status: criteria provided, single submitter. Criteria: Invitae Variant Classification Sherloc (09022015). Collection method: clinical testing. Allele origin: germline.
Comment: This sequence change replaces serine, which is neutral and polar, with phenylalanine, which is neutral and non-polar, at codon 182 of the DUSP6 protein (p.Ser182Phe). This variant is present in population databases (rs139318648, gnomAD 0.1%), and has an allele count higher than expected for a pathogenic variant. This variant has not been reported in the literature in individuals affected with DUSP6-related conditions. ClinVar contains an entry for this variant (Variation ID: 50855). An algorithm developed to predict the effect of missense changes on protein structure and function (PolyPhen-2) suggests that this variant is likely to be tolerated. In summary, the available evidence is currently insufficient to determine the role of this variant in disease. Therefore, it has been classified as a Variant of Uncertain Significance.

GeneDx
Classification: Uncertain significance. Last evaluated: 2025-03-17. Review status: criteria provided, single submitter. Criteria: GeneDx Variant Classification Process June 2021. Collection method: clinical testing. Allele origin: germline. Affected: yes.
Comment: Identified in a patient with Kallmann syndrome who also harbored a variant in the FGFR1 gene in published literature (PMID: 23643382); In silico analysis supports that this missense variant has a deleterious effect on protein structure/function; This variant is associated with the following publications: (PMID: 26059428, 28257739, 25865537, 23643382, 37228872, 23965468)

CeGaT Center for Human Genetics Tuebingen
Classification: Likely benign. Last evaluated: 2023-10-01. Review status: criteria provided, single submitter. Criteria: CeGaT Center For Human Genetics Tuebingen Variant Classification Criteria Version 2. Collection method: clinical testing. Allele origin: germline. Affected: yes. Observed: 1 variant allele.
Comment: DUSP6: BS1

OMIM
Classification: risk factor for HYPOGONADOTROPIC HYPOGONADISM 19 WITH ANOSMIA, SUSCEPTIBILITY TO. Last evaluated: 2013-05-02. Review status: no assertion criteria provided. Collection method: literature only. Allele origin: germline. Not counted in ClinVar's aggregate classification.

Literature cited by the submitters: PubMed 23643382 (cited by Women's Health and Genetics/Laboratory Corporation of America, LabCorp and OMIM); PubMed 23965468 (cited by Women's Health and Genetics/Laboratory Corporation of America, LabCorp).

NM_001946.4(DUSP6):c.545C>T (p.Ser182Phe)

Genes: DUSP6 (dual specificity phosphatase 6; minus strand), POC1B-DUSP6 (POC1B-DUSP6 readthrough; minus strand). Cytogenetic location: 12q21.33.
Variant type: single nucleotide variant.
Coding change: c.545C>T on transcript NM_001946.4 (MANE Select); coding-DNA position 545, C replaced by T.
Protein change: p.Ser182Phe; replaces serine 182 with phenylalanine.
Molecular consequence: missense variant. On other transcripts: intron variant (1).
Genome position (GRCh38, 1-based): chr12:89,350,881, G>A on the plus strand (C>T on the coding strand, the complement: DUSP6 is on the minus strand). VCF-style: chr12-89350881-G-A. GRCh37 (hg19) VCF-style: chr12-89744658-G-A.
Other names: c.400+759C>T (NM_022652.4); c.545C>T (NM_001946.3); short protein forms S182F.
Identifiers: ClinVar variation 50855 (VCV000050855.32), dbSNP rs139318648, ClinGen allele CA143807.
Genomic context (GRCh38, chr12:89,350,881, plus strand): 5'-CTGTTGGACAGCGGACTACCATCCGAGTCTGTTGCACTATTGGGGTCTCGGTCAAGGTCA[G>A]ACTCGATGTCCGAGGAAGAGTCAGAGCTGATCCGCAGGCCCCCGAGCCCCAGCACTGGCA-3'
Protein context (NP_001937.2, residues 172-192): ISSDSSSDIE[Ser182Phe]DLDRDPNSAT